The following is an entry in ClinVar:

NM_000089.4(COL1A2):c.81+102C>T

Gene: COL1A2 (collagen type I alpha 2 chain; plus strand). Cytogenetic location: 7q21.3.
Variant type: single nucleotide variant.
Coding change: c.81+102C>T on transcript NM_000089.4 (MANE Select); 102 bases into the intron after coding-DNA position 81, C replaced by T.
Molecular consequence: intron variant.
Genome position (GRCh38, 1-based): chr7:94,397,860, C>T. VCF-style: chr7-94397860-C-T. GRCh37 (hg19) VCF-style: chr7-94027172-C-T.
Identifiers: ClinVar variation 676713 (VCV000676713.2), dbSNP rs62464618, ClinGen allele CA162904672.

ClinVar aggregate classification (germline): Likely benign. Review status: criteria provided, multiple submitters, no conflicts (2 of 4 stars). 2 submissions from 2 submitters: Likely benign (2). Last evaluated 2018-06-14.

Allele frequency attached by ClinVar (database versions not stated): 1000 Genomes Project 0.00479; 1000 Genomes Project 30x 0.00484; TOPMed 0.00646; gnomAD 0.00764 and 0.00771; gnomAD exomes 0.01046.
gnomAD v4.1: 6,635 of 678,952 alleles (0.98%); highest among the groups gnomAD compares: Non-Finnish European, 1.2%; 58 homozygotes.

Submissions (2):

GeneDx
Classification: Likely benign. Last evaluated: 2018-06-14. Review status: criteria provided, single submitter. Criteria: GeneDx Variant Classification (06012015). Collection method: clinical testing. Allele origin: germline. Affected: yes.
Comment: This variant is considered likely benign or benign based on one or more of the following criteria: it is a conservative change, it occurs at a poorly conserved position in the protein, it is predicted to be benign by multiple in silico algorithms, and/or has population frequency not consistent with disease.

Breakthrough Genomics
Classification: Likely benign. Review status: criteria provided, single submitter. Criteria: ACMG Guidelines, 2015. Collection method: not provided. Allele origin: germline. Inheritance: Autosomal recessive inheritance. Affected: yes.